The following is an entry in ClinVar:

NM_001290047.2(CECR2):c.4153C>G (p.Gln1385Glu)

Gene: CECR2 (CECR2 histone acetyl-lysine reader; plus strand). Cytogenetic location: 22q11.21.
Variant type: single nucleotide variant.
Coding change: c.4153C>G on transcript NM_001290047.2 (MANE Select); coding-DNA position 4153, C replaced by G.
Protein change: p.Gln1385Glu; replaces glutamine 1385 with glutamic acid.
Molecular consequence: missense variant.
Genome position (GRCh38, 1-based): chr22:17,549,440, C>G. VCF-style: chr22-17549440-C-G. GRCh37 (hg19) VCF-style: chr22-18029130-C-G.
Other names: p.(Gln1385Glu); c.3661C>G, p.Gln1221Glu (NM_001290046.2); short protein forms Q1221E, Q1385E.
Identifiers: ClinVar variation 4073552 (VCV004073552.1).

ClinVar aggregate classification (germline): Likely pathogenic (1 of 4 stars; one submission).

Conditions:
CECR2-related neurodevelopmental disorder.

Submission:

Center for Statistical Genetics, Columbia University
Classification: Likely pathogenic for CECR2-related neurodevelopmental disorder. Last evaluated: 2025-07-28. Review status: criteria provided, single submitter. Criteria: ACMG Guidelines, 2015. Collection method: research. Allele origin: germline. Affected: yes.
Comment: de novo heterozygous variant confimed by whole exome sequencing